The following is an entry in ClinVar:

ClinVar aggregate classification (germline): Pathogenic (1 of 4 stars; one submission).

Conditions:
Arrhythmogenic right ventricular dysplasia 9 (ARVD9). Also called: ARRHYTHMOGENIC RIGHT VENTRICULAR DYSPLASIA, FAMILIAL, 9; Arrhythmogenic Right Ventricular Dysplasia/Cardiomyopathy 9. Identifiers: MedGen C1836906, MONDO:0012180, OMIM 609040.

Submission:

Labcorp Genetics (formerly Invitae), Labcorp
Classification: Pathogenic for Arrhythmogenic right ventricular dysplasia 9. Last evaluated: 2024-06-02. Review status: criteria provided, single submitter. Criteria: Invitae Variant Classification Sherloc (09022015). Collection method: clinical testing. Allele origin: germline.
Comment: This sequence change creates a premature translational stop signal (p.Arg158Glyfs*57) in the PKP2 gene. It is expected to result in an absent or disrupted protein product. Loss-of-function variants in PKP2 are known to be pathogenic (PMID: 15489853, 17041889, 23911551). This variant is not present in population databases (gnomAD no frequency). This variant has not been reported in the literature in individuals affected with PKP2-related conditions. For these reasons, this variant has been classified as Pathogenic.

Literature cited by the submitters: PubMed 15489853; PubMed 17041889; PubMed 23911551.

NM_001005242.3(PKP2):c.472_473del (p.Arg158fs)

Gene: PKP2 (plakophilin 2; minus strand). Cytogenetic location: 12p11.21.
Variant type: Microsatellite.
Coding change: c.472_473del on transcript NM_001005242.3 (MANE Select); coding-DNA positions 472 to 473, 2 bases deleted (AG; older notation c.472_473delAG).
Protein change: p.Arg158fs; shifts the reading frame from arginine 158.
Molecular consequence: frameshift variant.
Genome position (GRCh38, 1-based): chr12:32,878,407-32,878,408, CT deleted on the plus strand (AG on the coding strand, the reverse complement: PKP2 is on the minus strand); deleting any 2 consecutive bases within chr12:32,878,407-32,878,411 gives the same sequence; the c. name uses the placement nearest the transcript's 3' end. VCF-style (leftmost placement, unchanged base first): chr12-32878406-CCT-C. GRCh37 (hg19) VCF-style: chr12-33031340-CCT-C.
Other names: c.472_473del, p.Arg158fs (NM_004572.4); short protein forms R158fs.
Identifiers: ClinVar variation 1372358 (VCV001372358.6), dbSNP rs2137950267, ClinGen allele CA2580615158.
Genomic context (GRCh38, chr12:32,878,406, plus strand): 5'-CAGGGTGTGCCCAGCCTGGCTTCTCTGGCTGTACTGGTAATCGCTGTGCGTGTAGTGAGC[CCT>C]CTCCGGGCTGCTGTCAGGAGAAATCTCCAGTCTCCTCAGAGGATGCCTCAAGGACCTTTC-3'